The following is an entry in ClinVar:

NM_153704.6(TMEM67):c.1066C>G (p.Leu356Val)

Gene: TMEM67 (transmembrane protein 67; plus strand). Cytogenetic location: 8q22.1.
Variant type: single nucleotide variant.
Coding change: c.1066C>G on transcript NM_153704.6 (MANE Select); coding-DNA position 1066, C replaced by G.
Protein change: p.Leu356Val; replaces leucine 356 with valine.
Molecular consequence: missense variant. On other transcripts: non-coding transcript variant (1).
Genome position (GRCh38, 1-based): chr8:93,782,395, C>G. VCF-style: chr8-93782395-C-G. GRCh37 (hg19) VCF-style: chr8-94794623-C-G.
Other names: c.823C>G, p.Leu275Val (NM_001142301.1); short protein forms L275V, L356V.
Identifiers: ClinVar variation 1430502 (VCV001430502.5), dbSNP rs1371143789, ClinGen allele CA371689031.

ClinVar aggregate classification (germline): Uncertain significance. Review status: criteria provided, multiple submitters, no conflicts (2 of 4 stars). 2 submissions from 2 submitters: Uncertain significance (2). Last evaluated 2021-08-30.

Conditions:
COACH syndrome 1. Identifiers: Orphanet 1454, MedGen C5435651, MONDO:0800103, OMIM 216360, MONDO:0008996.
Meckel syndrome, type 3 (MKS3). Also called: MECKEL-GRUBER SYNDROME, TYPE 3. Identifiers: Orphanet 564, MedGen C1846357, MONDO:0011821, OMIM 607361.
Nephronophthisis 11 (NPHP11). Identifiers: Orphanet 84081, MedGen C3150796, MONDO:0013302, OMIM 613550.
RHYNS syndrome. Also called: RETINITIS PIGMENTOSA SYNDROME; RETINITIS PIGMENTOSA, HYPOPITUITARISM, NEPHRONOPHTHISIS, AND MILD SKELETAL DYSPLASIA. Identifiers: Orphanet 140976, MedGen C1865794, MONDO:0011202, OMIM 602152.
Joubert syndrome 6 (JBTS6). Identifiers: Orphanet 475, MedGen C1853153, MONDO:0012539, OMIM 610688.
Bardet-Biedl syndrome 14 (BBS14). Identifiers: Orphanet 110, MedGen C2673874, MONDO:0014442, OMIM 615991.
Meckel-Gruber syndrome. Also called: DYSENCEPHALIA SPLANCHNOCYSTICA; Dysencephalia splachnocystica; GRUBER SYNDROME. Identifiers: Orphanet 564, MedGen C0265215, MONDO:0018921.
Joubert syndrome. Also called: Familial aplasia of the vermis; JOUBERT-BOLTSHAUSER SYNDROME. Identifiers: Orphanet 475, MedGen C5979921, MONDO:0018772.

Allele frequency attached by ClinVar (database versions not stated): gnomAD exomes below 0.00001; gnomAD 0.00001.
gnomAD v4.1: 3 of 1,611,484 alleles (0.00019%); highest among the groups gnomAD compares: East Asian, 0.0067%; no homozygotes.

Submissions (2):

Labcorp Genetics (formerly Invitae), Labcorp
Classification: Uncertain significance for Joubert syndrome; Meckel-Gruber syndrome. Last evaluated: 2021-08-30. Review status: criteria provided, single submitter. Criteria: Invitae Variant Classification Sherloc (09022015). Collection method: clinical testing. Allele origin: germline.
Comment: This sequence change replaces leucine with valine at codon 356 of the TMEM67 protein (p.Leu356Val). The leucine residue is moderately conserved and there is a small physicochemical difference between leucine and valine. This variant is not present in population databases (ExAC no frequency). This variant has not been reported in the literature in individuals affected with TMEM67-related conditions. Algorithms developed to predict the effect of missense changes on protein structure and function are either unavailable or do not agree on the potential impact of this missense change (SIFT: "Deleterious"; PolyPhen-2: "Probably Damaging"; Align-GVGD: "Class C0"). Algorithms developed to predict the effect of sequence changes on RNA splicing suggest that this variant may create or strengthen a splice site. In summary, the available evidence is currently insufficient to determine the role of this variant in disease. Therefore, it has been classified as a Variant of Uncertain Significance.

Juno Genomics, Hangzhou Juno Genomics, Inc
Classification: Uncertain significance for RHYNS syndrome; Bardet-Biedl syndrome 14; COACH syndrome 1; Joubert syndrome 6; Meckel syndrome, type 3; Nephronophthisis 11. Review status: criteria provided, single submitter. Criteria: ACMG Guidelines, 2015. Collection method: clinical testing. Allele origin: germline.
Comment: Absent from controls (or at extremely low frequency if recessive) in Genome Aggregation Database.;Multiple lines of computational evidence support a deleterious effect on the gene or gene product.